The following is an entry in ClinVar:

ClinVar aggregate classification (germline): Likely benign (0 of 4 stars; one submission).

Conditions:
KIF4B-related disorder. Also called: KIF4B-related condition.

Submission:

PreventionGenetics, part of Exact Sciences
Classification: Likely benign for KIF4B-related condition. Last evaluated: 2019-11-07. Review status: no assertion criteria provided. Collection method: clinical testing. Allele origin: germline.
Comment: This variant is classified as likely benign based on ACMG/AMP sequence variant interpretation guidelines (Richards et al. 2015 PMID: 25741868, with internal and published modifications).

NM_001099293.3(KIF4B):c.2875C>T (p.Leu959=)

Gene: KIF4B (kinesin family member 4B; plus strand). Cytogenetic location: 5q33.2.
Variant type: single nucleotide variant.
Coding change: c.2875C>T on transcript NM_001099293.3 (MANE Select); coding-DNA position 2875, C replaced by T.
Protein change: p.Leu959=; no amino-acid change (leucine 959 retained).
Molecular consequence: synonymous variant.
Genome position (GRCh38, 1-based): chr5:155,016,734, C>T. VCF-style: chr5-155016734-C-T. GRCh37 (hg19) VCF-style: chr5-154396294-C-T.
Identifiers: ClinVar variation 3045341 (VCV003045341.2), dbSNP rs2481227683, ClinGen allele CA447424746.